The following is an entry in ClinVar:

NM_000204.5(CFI):c.628G>A (p.Ala210Thr)

Gene: CFI (complement factor I; minus strand). Cytogenetic location: 4q25.
Variant type: single nucleotide variant.
Coding change: c.628G>A on transcript NM_000204.5 (MANE Select); coding-DNA position 628, G replaced by A.
Protein change: p.Ala210Thr; replaces alanine 210 with threonine.
Molecular consequence: missense variant. On other transcripts: non-coding transcript variant (3).
Genome position (GRCh38, 1-based): chr4:109,761,547, C>T on the plus strand (G>A on the coding strand, the complement: CFI is on the minus strand). VCF-style: chr4-109761547-C-T. GRCh37 (hg19) VCF-style: chr4-110682703-C-T.
Other names: c.628G>A, p.Ala210Thr (NM_001318057.2, NM_001331035.2, NM_001375278.1 and 10 more transcripts); c.19G>A, p.Ala7Thr (NM_001375284.1); short protein forms A210T, A7T.
Identifiers: ClinVar variation 4280428 (VCV004280428.1).

ClinVar aggregate classification (germline): Uncertain significance (1 of 4 stars; one submission).

Conditions:
CFI-related disorder. Also called: CFI-related condition; CFI-related disorders. Identifiers: MedGen CN239325.

gnomAD v4.1: 10 of 1,614,100 alleles (0.00062%); highest among the groups gnomAD compares: South Asian, 0.0033%; no homozygotes.

Submission:

Genomenon, Inc
Classification: Uncertain significance for CFI-related disorder. Last evaluated: 2025-09-26. Review status: criteria provided, single submitter. Criteria: Genomenon Sequence Variant Interpretation Standards - Updated. Collection method: curation. Allele origin: germline. Affected: no.
Comment: CFI p.Ala210Thr (c.628G>A) is a missense variant that changes the amino acid at residue 210 from Alanine to Threonine. This variant has been reported in the published literature (PMID:26283675;35619721). It is absent or not present at a significant frequency in gnomAD. In conclusion, we classify CFI p.Ala210Thr (c.628G>A) as a variant of unknown significance.

Literature cited by the submitters: PubMed 26283675; 35619721.